The following is an entry in ClinVar:

NM_001378615.1(CC2D2A):c.2560T>G (p.Trp854Gly)

Genes: CC2D2A (coiled-coil and C2 domain containing 2A; plus strand), FBXL5 (F-box and leucine rich repeat protein 5; minus strand). Cytogenetic location: 4p15.32.
Variant type: single nucleotide variant.
Coding change: c.2560T>G on transcript NM_001378615.1 (MANE Select); coding-DNA position 2560, T replaced by G.
Protein change: p.Trp854Gly; replaces tryptophan 854 with glycine.
Molecular consequence: missense variant.
Genome position (GRCh38, 1-based): chr4:15,555,145, T>G. VCF-style: chr4-15555145-T-G. GRCh37 (hg19) VCF-style: chr4-15556768-T-G.
Other names: c.2560T>G, p.Trp854Gly (NM_001080522.2); c.2413T>G, p.Trp805Gly (NM_001378617.1); short protein forms W854G, W805G.
Identifiers: ClinVar variation 595312 (VCV000595312.15), dbSNP rs747204358, ClinGen allele CA2863957.

ClinVar aggregate classification (germline): Uncertain significance. Review status: criteria provided, multiple submitters, no conflicts (2 of 4 stars). 6 submissions from 6 submitters: Uncertain significance (6). Last evaluated 2025-10-20.

Conditions:
Meckel-Gruber syndrome. Also called: Dysencephalia splachnocystica; DYSENCEPHALIA SPLANCHNOCYSTICA; GRUBER SYNDROME. Identifiers: Orphanet 564, MedGen C0265215, MONDO:0018921.
Joubert syndrome. Also called: Familial aplasia of the vermis; JOUBERT-BOLTSHAUSER SYNDROME. Identifiers: Orphanet 475, MedGen C5979921, MONDO:0018772.
Joubert syndrome 9 (JBTS9). Identifiers: Orphanet 2318, MedGen C2676788, MONDO:0012849, OMIM 612285.
Meckel syndrome, type 6. Identifiers: Orphanet 564, MedGen C2676790, MONDO:0012848, OMIM 612284.
Retinitis pigmentosa 93. Identifiers: MedGen C5676970, MONDO:0030797, OMIM 619845.
COACH syndrome 2. Identifiers: MedGen C5436837, MONDO:0030859, OMIM 619111.
Inborn genetic diseases. Identifiers: MedGen C0950123, MeSH D030342.
CC2D2A-related disorder. Also called: CC2D2A-related disorders; CC2D2A-related condition. Identifiers: MedGen CN239313.

Allele frequency attached by ClinVar (database versions not stated): gnomAD exomes 0.00001 and 0.00005; ExAC 0.00005; gnomAD 0.00019 and 0.00021; TOPMed 0.00020.
gnomAD v4.1: 53 of 1,613,676 alleles (0.0033%); highest among the groups gnomAD compares: African/African-American, 0.059%; no homozygotes.

Submissions (6):

PreventionGenetics, part of Exact Sciences
Classification: Uncertain significance for CC2D2A-related condition. Last evaluated: 2025-10-20. Review status: criteria provided, single submitter. Criteria: ACMG Guidelines, 2015. Collection method: clinical testing. Allele origin: germline.
Comment: The CC2D2A c.2560T>G variant is predicted to result in the amino acid substitution p.Trp854Gly. To our knowledge, this variant has not been reported in the literature. This variant is reported in 0.050% of alleles in individuals of African descent in gnomAD. At this time, the clinical significance of this variant is uncertain due to the absence of conclusive functional and genetic evidence.

Ambry Genetics
Classification: Uncertain significance for Inborn genetic diseases. Last evaluated: 2024-03-01. Review status: criteria provided, single submitter. Criteria: Ambry Variant Classification Scheme 2023. Collection method: clinical testing. Allele origin: germline.

Fulgent Genetics
Classification: Uncertain significance for Meckel syndrome, type 6; Joubert syndrome 9; COACH syndrome 2; Retinitis pigmentosa 93. Last evaluated: 2024-02-22. Review status: criteria provided, single submitter. Criteria: ACMG Guidelines, 2015. Collection method: clinical testing. Allele origin: germline.

Labcorp Genetics (formerly Invitae), Labcorp
Classification: Uncertain significance for Joubert syndrome; Meckel-Gruber syndrome. Last evaluated: 2022-08-21. Review status: criteria provided, single submitter. Criteria: Invitae Variant Classification Sherloc (09022015). Collection method: clinical testing. Allele origin: germline.
Comment: This sequence change replaces tryptophan, which is neutral and slightly polar, with glycine, which is neutral and non-polar, at codon 854 of the CC2D2A protein (p.Trp854Gly). This variant is present in population databases (rs747204358, gnomAD 0.05%). This variant has not been reported in the literature in individuals affected with CC2D2A-related conditions. ClinVar contains an entry for this variant (Variation ID: 595312). Advanced modeling of protein sequence and biophysical properties (such as structural, functional, and spatial information, amino acid conservation, physicochemical variation, residue mobility, and thermodynamic stability) performed at Invitae indicates that this missense variant is expected to disrupt CC2D2A protein function. In summary, the available evidence is currently insufficient to determine the role of this variant in disease. Therefore, it has been classified as a Variant of Uncertain Significance.

GeneDx
Classification: Uncertain significance. Last evaluated: 2020-12-16. Review status: criteria provided, single submitter. Criteria: GeneDx Variant Classification Process June 2021. Collection method: clinical testing. Allele origin: germline. Affected: yes.
Comment: In silico analysis, which includes protein predictors and evolutionary conservation, supports a deleterious effect; Has not been previously published as pathogenic or benign to our knowledge

Eurofins Ntd Llc (ga)
Classification: Uncertain significance. Last evaluated: 2017-12-07. Review status: criteria provided, single submitter. Criteria: EGL Classification Definitions 2015. Collection method: clinical testing. Allele origin: germline. Observed: 1 variant allele, 1 heterozygote.